The following is an entry in ClinVar:

ClinVar aggregate classification (germline): Benign. Review status: reviewed by expert panel (3 of 4 stars). 3 submissions from 3 submitters: Benign (1). 2 of the submissions do not count toward it. Last evaluated 2015-01-12.

Conditions:
Breast-ovarian cancer, familial, susceptibility to, 1 (BROVCA1). Also called: BRCA1 Hereditary Breast and Ovarian Cancer; OVARIAN CANCER, SUSCEPTIBILITY TO. Identifiers: Orphanet 145, MedGen C2676676, MONDO:0011450, OMIM 604370. Disease mechanism: loss of function.

Allele frequency attached by ClinVar (database versions not stated): TOPMed 0.44276; gnomAD 0.44487 and 0.44575; 1000 Genomes Project 30x 0.48954; 1000 Genomes Project 0.49022.

Submissions (3):

Evidence-based Network for the Interpretation of Germline Mutant Alleles (ENIGMA)
Classification: Benign for Breast-ovarian cancer, familial 1. Last evaluated: 2015-01-12. Review status: reviewed by expert panel. Criteria: ENIGMA BRCA1/2 Classification Criteria (2015). Collection method: curation. Allele origin: germline.
Comment: Class 1 not pathogenic based on frequency >1% in an outbred sampleset. Frequency 0.3304 (Asian), 0.2886 (African), 0.3681 (European), derived from 1000 genomes (2012-04-30).

GeneDx
Classification: Benign. Last evaluated: 2018-07-09. Review status: criteria provided, single submitter. Criteria: GeneDx Variant Classification Process June 2021. Collection method: clinical testing. Allele origin: germline. Affected: yes. Not counted in ClinVar's aggregate classification.

Breakthrough Genomics
Classification: Benign. Review status: criteria provided, single submitter. Criteria: ACMG Guidelines, 2015. Collection method: not provided. Allele origin: germline. Inheritance: Autosomal recessive inheritance. Affected: yes. Not counted in ClinVar's aggregate classification.

NM_007294.4(BRCA1):c.5278-2807T>C

Gene: BRCA1 (BRCA1 DNA repair associated; minus strand). Cytogenetic location: 17q21.31.
Variant type: single nucleotide variant.
Coding change: c.5278-2807T>C on transcript NM_007294.4 (MANE Select); 2807 bases into the intron before coding-DNA position 5278, T replaced by C.
Molecular consequence: intron variant.
Genome position (GRCh38, 1-based): chr17:43,053,924, A>G on the plus strand (T>C on the coding strand, the complement: BRCA1 is on the minus strand). VCF-style: chr17-43053924-A-G. GRCh37 (hg19) VCF-style: chr17-41205941-A-G.
Other names: IVS 20-2807T>C; c.1825-2807T>C (NM_001408458.1, NM_001408461.1, NM_001408464.1 and 7 more transcripts); c.4387-2807T>C (NM_001407967.1); c.4897-2807T>C (NM_001407959.1); c.5011-2807T>C (NM_001407931.1, NM_001407932.1, NM_001407928.1 and 4 more transcripts); c.5134-2807T>C (NM_001407747.1, NM_001407745.1, NM_001407737.1 and 21 more transcripts); c.4894-2807T>C (NM_001407962.1, NM_001407960.1); c.1465-2807T>C (NM_001408512.1); and 75 more.
Identifiers: ClinVar variation 209278 (VCV000209278.6), dbSNP rs7212284, ClinGen allele CA276250.